The following is an entry in ClinVar:

NM_001458.5(FLNC):c.5363T>G (p.Val1788Gly)

Genes: FLNC (filamin C; plus strand), FLNC-AS1 (FLNC antisense RNA 1; minus strand). Cytogenetic location: 7q32.1.
Variant type: single nucleotide variant.
Coding change: c.5363T>G on transcript NM_001458.5 (MANE Select); coding-DNA position 5363, T replaced by G.
Protein change: p.Val1788Gly; replaces valine 1788 with glycine.
Molecular consequence: missense variant.
Genome position (GRCh38, 1-based): chr7:128,850,448, T>G. VCF-style: chr7-128850448-T-G. GRCh37 (hg19) VCF-style: chr7-128490502-T-G.
Other names: c.5264T>G, p.Val1755Gly (NM_001127487.2); short protein forms V1788G, V1755G.
Identifiers: ClinVar variation 572468 (VCV000572468.21), dbSNP rs573899913, ClinGen allele CA4475661.

ClinVar aggregate classification (germline): Conflicting classifications of pathogenicity. Review status: criteria provided, conflicting classifications (1 of 4 stars). 6 submissions from 6 submitters: Uncertain significance (2); Likely benign (2). 2 of the submissions do not count toward it. Last evaluated 2026-01-13.

Conditions:
Cardiovascular phenotype. Identifiers: MedGen CN230736.
Myofibrillar myopathy 5. Also called: FILAMINOPATHY, AUTOSOMAL DOMINANT; Filaminopathy (type). Identifiers: Orphanet 171445, MedGen C1836050, MONDO:0012289, OMIM 609524.
Hypertrophic cardiomyopathy 26. Also called: Cardiomyopathy, familial hypertrophic, 26. Identifiers: Orphanet 75249, MedGen C4310749, MONDO:0014883, OMIM 617047.
Distal myopathy with posterior leg and anterior hand involvement. Also called: WILLIAMS DISTAL MYOPATHY. Identifiers: Orphanet 63273, MedGen C3279722, MONDO:0013550, OMIM 614065.

Allele frequency attached by ClinVar (database versions not stated): gnomAD below 0.00001 and 0.00002; TOPMed 0.00001; gnomAD exomes 0.00004 and 0.00009; ExAC 0.00010.
gnomAD v4.1: 77 of 1,613,792 alleles (0.0048%); highest among the groups gnomAD compares: South Asian, 0.058%; 1 homozygote.

Submissions (6):

Labcorp Genetics (formerly Invitae), Labcorp
Classification: Likely benign for Distal myopathy with posterior leg and anterior hand involvement; Myofibrillar myopathy 5; Hypertrophic cardiomyopathy 26. Last evaluated: 2026-01-13. Review status: criteria provided, single submitter. Criteria: Invitae Variant Classification Sherloc (09022015). Collection method: clinical testing. Allele origin: germline.

Ambry Genetics
Classification: Uncertain significance for Cardiovascular phenotype. Last evaluated: 2022-07-13. Review status: criteria provided, single submitter. Criteria: Ambry Variant Classification Scheme 2023. Collection method: clinical testing. Allele origin: germline.
Comment: The p.V1788G variant (also known as c.5363T>G), located in coding exon 32 of the FLNC gene, results from a T to G substitution at nucleotide position 5363. The valine at codon 1788 is replaced by glycine, an amino acid with dissimilar properties. This amino acid position is highly conserved in available vertebrate species. In addition, this alteration is predicted to be deleterious by in silico analysis. Since supporting evidence is limited at this time, the clinical significance of this alteration remains unclear.

GeneDx
Classification: Likely benign. Last evaluated: 2020-10-27. Review status: criteria provided, single submitter. Criteria: GeneDx Variant Classification Process June 2021. Collection method: clinical testing. Allele origin: germline. Affected: yes.
Comment: Has not been previously published as pathogenic or benign to our knowledge; In silico analysis supports that this missense variant has a deleterious effect on protein structure/function

Revvity Omics, Revvity
Classification: Uncertain significance. Last evaluated: 2020-02-28. Review status: criteria provided, single submitter. Criteria: ACMG Guidelines, 2015. Collection method: clinical testing. Allele origin: germline.

Clinical Genetics, Academic Medical Center
Classification: Uncertain significance. Review status: no assertion criteria provided. Collection method: clinical testing. Allele origin: germline. Affected: yes. Study: VKGL Data-share Consensus. Not counted in ClinVar's aggregate classification.

Joint Genome Diagnostic Labs from Nijmegen and Maastricht, Radboudumc and MUMC+
Classification: Uncertain significance. Review status: no assertion criteria provided. Collection method: clinical testing. Allele origin: germline. Affected: yes. Study: VKGL Data-share Consensus. Not counted in ClinVar's aggregate classification.